The following is an entry in ClinVar:

ClinVar aggregate classification (germline): Uncertain significance (1 of 4 stars; one submission).

Allele frequency attached by ClinVar (database versions not stated): gnomAD exomes below 0.00001.
gnomAD v4.1: 1 of 1,612,970 alleles (0.000062%); highest among the groups gnomAD compares: Non-Finnish European, 0.000085%; no homozygotes.

Submission:

Labcorp Genetics (formerly Invitae), Labcorp
Classification: Uncertain significance. Last evaluated: 2023-05-23. Review status: criteria provided, single submitter. Criteria: Invitae Variant Classification Sherloc (09022015). Collection method: clinical testing. Allele origin: germline.
Comment: In summary, the available evidence is currently insufficient to determine the role of this variant in disease. Therefore, it has been classified as a Variant of Uncertain Significance. An algorithm developed to predict the effect of missense changes on protein structure and function (PolyPhen-2) suggests that this variant is likely to be disruptive. This variant has not been reported in the literature in individuals affected with ZNF513-related conditions. This variant is not present in population databases (gnomAD no frequency). This sequence change replaces proline, which is neutral and non-polar, with serine, which is neutral and polar, at codon 78 of the ZNF513 protein (p.Pro78Ser).

NM_144631.6(ZNF513):c.232C>T (p.Pro78Ser)

Gene: ZNF513 (zinc finger protein 513; minus strand). Cytogenetic location: 2p23.3.
Variant type: single nucleotide variant.
Coding change: c.232C>T on transcript NM_144631.6 (MANE Select); coding-DNA position 232, C replaced by T.
Protein change: p.Pro78Ser; replaces proline 78 with serine.
Molecular consequence: missense variant.
Genome position (GRCh38, 1-based): chr2:27,379,034, G>A on the plus strand (C>T on the coding strand, the complement: ZNF513 is on the minus strand). VCF-style: chr2-27379034-G-A. GRCh37 (hg19) VCF-style: chr2-27601901-G-A.
Other names: c.46C>T, p.Pro16Ser (NM_001201459.2); short protein forms P78S, P16S.
Identifiers: ClinVar variation 2797036 (VCV002797036.3), dbSNP rs2465626291, ClinGen allele CA346218784.
Genomic context (GRCh38, chr2:27,379,034, plus strand): 5'-CCGCACTTAGTGCCCGGCCGCCCCCAGACTCATCGTCGCTCAGCCCATAGGGAAGCCCAG[G>A]CCTGGCCCCCAGAGAGTCTCCTGGTGAAATAGACATAAGAAGAGACATCAGCATAGGGTA-3'
Protein context (NP_653232.3, residues 68-88): DSEGDSLGAR[Pro78Ser]GLPYGLSDDE